The following is an entry in ClinVar:

NM_000275.3(OCA2):c.286G>A (p.Glu96Lys)

Gene: OCA2 (OCA2 melanosomal transmembrane protein; minus strand). Cytogenetic location: 15q13.1.
Variant type: single nucleotide variant.
Coding change: c.286G>A on transcript NM_000275.3 (MANE Select); coding-DNA position 286, G replaced by A.
Protein change: p.Glu96Lys; replaces glutamic acid 96 with lysine.
Molecular consequence: missense variant.
Genome position (GRCh38, 1-based): chr15:28,032,105, C>T on the plus strand (G>A on the coding strand, the complement: OCA2 is on the minus strand). VCF-style: chr15-28032105-C-T. GRCh37 (hg19) VCF-style: chr15-28277251-C-T.
Other names: c.286G>A (NM_000275.2); c.286G>A, p.Glu96Lys (NM_001300984.2); short protein forms E96K.
Identifiers: ClinVar variation 1400325 (VCV001400325.10), dbSNP rs372184971, ClinGen allele CA267888793.
Genomic context (GRCh38, chr15:28,032,105, plus strand): 5'-TGAGGGGGAAAATATCTCACCCTTTCTCCTGTAAGGAATTCCTCAGCAAAGGAGTGTTTT[C>T]TGTAAAGCAGGAATCTTTAGACCTGGAGCTGGACATCTGGGGCAAAGAAGAGTGAGACCT-3'
Protein context (NP_000266.2, residues 86-106): SSRSKDSCFT[Glu96Lys]NTPLLRNSLQ

ClinVar aggregate classification (germline): Conflicting classifications of pathogenicity. Review status: criteria provided, conflicting classifications (1 of 4 stars). 3 submissions from 3 submitters: Pathogenic (1); Likely pathogenic (1); Uncertain significance (1). Last evaluated 2025-12-04.

Conditions:
OCA2-related disorder. Also called: OCA2-related condition.

Allele frequency attached by ClinVar (database versions not stated): gnomAD 0.00001; gnomAD exomes 0.00001; TOPMed 0.00002; ESP Exome Variant Server 0.00008.
gnomAD v4.1: 10 of 1,613,974 alleles (0.00062%); highest among the groups gnomAD compares: South Asian, 0.0055%; no homozygotes.

Submissions (3):

Women's Health and Genetics/Laboratory Corporation of America, LabCorp
Classification: Uncertain significance. Last evaluated: 2025-12-04. Review status: criteria provided, single submitter. Criteria: LabCorp Variant Classification Summary - May 2015. Collection method: clinical testing. Allele origin: germline.
Comment: Variant summary: OCA2 c.286G>A (p.Glu96Lys) results in a conservative amino acid change in the encoded protein sequence. Algorithms developed to predict the effect of missense changes on protein structure and function are either unavailable or do not agree on the potential impact of this missense change. The variant was absent in 251472 control chromosomes. c.286G>A has been observed in individual(s) affected with Oculocutaneous Albinism (internal_data). These data do not allow any conclusion about variant significance. A different variant affecting the same codon has been classified as likely pathogenic by our lab (c.287A>C, p.Glu96Ala), supporting the critical relevance of codon 96 to OCA2 protein function. To our knowledge, no experimental evidence demonstrating an impact on protein function has been reported. ClinVar contains an entry for this variant (Variation ID: 1400325). Based on the evidence outlined above, the variant was classified as VUS-possibly pathogenic.

PreventionGenetics, part of Exact Sciences
Classification: Likely pathogenic for OCA2-related condition. Last evaluated: 2025-07-10. Review status: criteria provided, single submitter. Criteria: ACMG Guidelines, 2015. Collection method: clinical testing. Allele origin: germline.
Comment: The OCA2 c.286G>A variant is predicted to result in the amino acid substitution p.Glu96Lys. To our knowledge, this variant has not been reported in the literature. An alternate substitution of this amino acid residue (p.Glu96Ala) has been reported in individuals with oculocutaneous albinism (see for example: Table S3, Lasseaux et al. 2018. PubMed ID: 29345414). This variant is absent in a large population database (gnomAD), indicating this variant is rare. Taken together, this variant is interpreted as likely pathogenic.

Labcorp Genetics (formerly Invitae), Labcorp
Classification: Pathogenic. Last evaluated: 2024-05-29. Review status: criteria provided, single submitter. Criteria: Invitae Variant Classification Sherloc (09022015). Collection method: clinical testing. Allele origin: germline.
Comment: This sequence change replaces glutamic acid, which is acidic and polar, with lysine, which is basic and polar, at codon 96 of the OCA2 protein (p.Glu96Lys). This variant is not present in population databases (gnomAD no frequency). This missense change has been observed in individual(s) with clinical features of oculocutaneous albinism (Invitae). ClinVar contains an entry for this variant (Variation ID: 1400325). Advanced modeling of protein sequence and biophysical properties (such as structural, functional, and spatial information, amino acid conservation, physicochemical variation, residue mobility, and thermodynamic stability) has been performed at Invitae for this missense variant, however the output from this modeling did not meet the statistical confidence thresholds required to predict the impact of this variant on OCA2 protein function. This variant disrupts the p.Glu96 amino acid residue in OCA2. Other variant(s) that disrupt this residue have been determined to be pathogenic (PMID: 19060277, 27734839, 29345414; Invitae). This suggests that this residue is clinically significant, and that variants that disrupt this residue are likely to be disease-causing. For these reasons, this variant has been classified as Pathogenic.

Literature cited by the submitters: PubMed 19060277 (cited by Labcorp Genetics (formerly Invitae), Labcorp); PubMed 27734839 (cited by Labcorp Genetics (formerly Invitae), Labcorp); PubMed 29345414 (cited by Labcorp Genetics (formerly Invitae), Labcorp).